The following is an entry in ClinVar:

NM_006514.4(SCN10A):c.1197G>A (p.Ala399=)

Gene: SCN10A (sodium voltage-gated channel alpha subunit 10; minus strand). Cytogenetic location: 3p22.2.
Variant type: single nucleotide variant.
Coding change: c.1197G>A on transcript NM_006514.4 (MANE Select); coding-DNA position 1197, G replaced by A.
Protein change: p.Ala399=; no amino-acid change (alanine 399 retained).
Molecular consequence: synonymous variant.
Genome position (GRCh38, 1-based): chr3:38,756,767, C>T on the plus strand (G>A on the coding strand, the complement: SCN10A is on the minus strand). VCF-style: chr3-38756767-C-T. GRCh37 (hg19) VCF-style: chr3-38798258-C-T.
Other names: c.1197G>A, p.Ala399= (NM_001293306.2, NM_001293307.2).
Identifiers: ClinVar variation 507977 (VCV000507977.10), dbSNP rs759422516, ClinGen allele CA2320941.

ClinVar aggregate classification (germline): Likely benign. Review status: criteria provided, multiple submitters, no conflicts (2 of 4 stars). 3 submissions from 3 submitters: Likely benign (3). Last evaluated 2024-02-24.

Conditions:
Cardiovascular phenotype. Identifiers: MedGen CN230736.
Brugada syndrome. Also called: Sudden unexpected nocturnal death syndrome; Sudden unexplained nocturnal death syndrome; Sudden Unexplained Death Syndrome; Sudden Unexplained Nocturnal Death Syndrome (SUNDS). Identifiers: Orphanet 130, MedGen C1142166, MONDO:0015263.

Allele frequency attached by ClinVar (database versions not stated): gnomAD 0.00002; TOPMed 0.00002; gnomAD exomes 0.00003; ExAC 0.00005.

Submissions (3):

Labcorp Genetics (formerly Invitae), Labcorp
Classification: Likely benign for Brugada syndrome. Last evaluated: 2024-02-24. Review status: criteria provided, single submitter. Criteria: Invitae Variant Classification Sherloc (09022015). Collection method: clinical testing. Allele origin: germline.

Ambry Genetics
Classification: Likely benign for Cardiovascular phenotype. Last evaluated: 2019-07-11. Review status: criteria provided, single submitter. Criteria: Ambry Variant Classification Scheme 2023. Collection method: clinical testing. Allele origin: germline.

GeneDx
Classification: Likely benign. Last evaluated: 2017-03-13. Review status: criteria provided, single submitter. Criteria: GeneDx Variant Classification (06012015). Collection method: clinical testing. Allele origin: germline. Affected: yes.
Comment: This variant is considered likely benign or benign based on one or more of the following criteria: it is a conservative change, it occurs at a poorly conserved position in the protein, it is predicted to be benign by multiple in silico algorithms, and/or has population frequency not consistent with disease.